The following is an entry in ClinVar:

NM_144670.6(A2ML1):c.2405G>A (p.Arg802His)

Gene: A2ML1 (alpha-2-macroglobulin like 1; plus strand). Cytogenetic location: 12p13.31.
Variant type: single nucleotide variant.
Coding change: c.2405G>A on transcript NM_144670.6 (MANE Select); coding-DNA position 2405, G replaced by A.
Protein change: p.Arg802His; replaces arginine 802 with histidine.
Molecular consequence: missense variant.
Genome position (GRCh38, 1-based): chr12:8,851,954, G>A. VCF-style: chr12-8851954-G-A. GRCh37 (hg19) VCF-style: chr12-9004550-G-A.
Other names: A2ML1, ARG802HIS (rs201562272); c.932G>A, p.Arg311His (NM_001282424.3); short protein forms R802H, R311H.
Identifiers: ClinVar variation 203519 (VCV000203519.56), dbSNP rs201562272, ClinGen allele CA354435.
Genomic context (GRCh38, chr12:8,851,954, plus strand): 5'-TTGGACTAACTGCTTTCAAGCCGTTCTTTGTTGACCTGACTCTCCCTTACTCAGTAGTCC[G>A]TGGGGAATCCTTTCGTCTTACTGCCACCATCTTCAATTACCTAAAGGATTGCATCAGGGT-3'
Protein context (NP_653271.3, residues 792-812): VDLTLPYSVV[Arg802His]GESFRLTATI

ClinVar aggregate classification (germline): Conflicting classifications of pathogenicity. Review status: criteria provided, conflicting classifications (1 of 4 stars). 7 submissions from 7 submitters: Uncertain significance (1); Benign (1); Likely benign (2). 3 of the submissions do not count toward it. Last evaluated 2026-01-11.

Conditions:
A2ML1-related disorder. Also called: A2ML1-related condition.
Noonan syndrome (NS). Also called: Noonan's syndrome. Identifiers: Orphanet 648, MedGen C0028326, MeSH D009634, MONDO:0018997. Disease mechanism: gain of function.

Allele frequency attached by ClinVar (database versions not stated): gnomAD 0.00013; ESP Exome Variant Server 0.00033; TOPMed 0.00037 and 0.00040.
gnomAD v4.1: 740 of 1,614,158 alleles (0.046%); highest among the groups gnomAD compares: Middle Eastern, 0.16%; 5 homozygotes.

Submissions (7):

Labcorp Genetics (formerly Invitae), Labcorp
Classification: Likely benign. Last evaluated: 2026-01-11. Review status: criteria provided, single submitter. Criteria: Invitae Variant Classification Sherloc (09022015). Collection method: clinical testing. Allele origin: germline.

Women's Health and Genetics/Laboratory Corporation of America, LabCorp
Classification: Likely benign. Last evaluated: 2021-01-21. Review status: criteria provided, single submitter. Criteria: LabCorp Variant Classification Summary - May 2015. Collection method: clinical testing. Allele origin: germline.
Comment: Variant summary: A2ML1 c.2405G>A (p.Arg802His) results in a non-conservative amino acid change located in the Alpha-2-macroglobulin domain (IPR001599) of the encoded protein sequence. Four of five in-silico tools predict a damaging effect of the variant on protein function. The variant allele was found at a frequency of 0.00066 in 249558 control chromosomes, predominantly at a frequency of 0.0015 within the South Asian subpopulation in the gnomAD database, including 1 homozygote. The observed variant frequency within South Asian control individuals in the gnomAD database is approximately 375 fold of the estimated maximal expected allele frequency for a pathogenic variant in A2ML1 causing Noonan Syndrome phenotype (4e-06), strongly suggesting that the variant is a benign polymorphism found primarily in populations of South Asian origin. c.2405G>A has been reported in the literature in individuals affected with Noonan Syndrome, including one de novo occurrence (Vissers_2015, Tidyman_2016, Brinkmann_2020). These data do not allow any conclusion about variant significance. Co-occurrences with other pathogenic variants have been reported (RAF1 c.770C>T , p.Ser257Leu; MAP2K1 c.275T>G, p.Leu92Arg) (Brinkmann_2020), providing supporting evidence for a benign role. At least one publication reports experimental evidence evaluating an impact on protein function, however, does not allow convincing conclusions about the variant effect (Vissers_2015). Three ClinVar submitters (evaluation after 2014) cite the variant as uncertain significance (n=2) and likely benign (n=1). Based on the evidence outlined above, the variant was classified as likely benign.

Department of Human Genetics, University Hospital Magdeburg
Classification: Benign. Last evaluated: 2020-07-09. Review status: criteria provided, single submitter. Criteria: ACMG Guidelines, 2015. Collection method: clinical testing. Allele origin: paternal. Inheritance: Autosomal dominant inheritance. Observed: 2 variant alleles.
Comment: This variant has been previously published as a causal variant for a disorder resembling Noonan syndrome by Vissers et al (2015). The allele frequency of this variant in gnomAD is greater than expected for Noonan syndrome (5.98e-4) (BS1). In-silico prediction yields consistent gene function affecting result (PP3). The variant was once found in a patient harbouring a known causal RAF1 variant and once in a patient harbouring a known causal MAP2K1 variant, fully explaining the phenotypes in both patients (BP5).

CeGaT Center for Human Genetics Tuebingen
Classification: Uncertain significance. Last evaluated: 2017-01-01. Review status: criteria provided, single submitter. Criteria: CeGaT Center For Human Genetics Tuebingen Variant Classification Criteria Version 2. Collection method: clinical testing. Allele origin: germline. Affected: yes. Observed: 1 variant allele.

PreventionGenetics, part of Exact Sciences
Classification: Likely benign for A2ML1-related condition. Last evaluated: 2019-11-21. Review status: no assertion criteria provided. Collection method: clinical testing. Allele origin: germline. Not counted in ClinVar's aggregate classification.
Comment: This variant is classified as likely benign based on ACMG/AMP sequence variant interpretation guidelines (Richards et al. 2015 PMID: 25741868, with internal and published modifications).

OMIM
Classification: Uncertain significance for VARIANT OF UNKNOWN SIGNIFICANCE. Last evaluated: 2015-03-01. Review status: no assertion criteria provided. Collection method: literature only. Allele origin: germline. Not counted in ClinVar's aggregate classification.

Service de Génétique Moléculaire, Hôpital Robert Debré
Classification: Likely benign for Noonan syndrome. Review status: no assertion criteria provided. Collection method: clinical testing. Allele origin: paternal. Affected: yes. Not counted in ClinVar's aggregate classification.

Literature cited by the submitters: PubMed 24939586 (cited by 3 submitters); PubMed 27942422 (cited by Women's Health and Genetics/Laboratory Corporation of America, LabCorp); PubMed 26446362 (cited by Women's Health and Genetics/Laboratory Corporation of America, LabCorp); PubMed 33082526 (cited by Women's Health and Genetics/Laboratory Corporation of America, LabCorp); PubMed 29750912 (cited by Women's Health and Genetics/Laboratory Corporation of America, LabCorp).